The following is an entry in ClinVar:

NM_016335.6(PRODH):c.767G>T (p.Cys256Phe)

Gene: PRODH (proline dehydrogenase 1; minus strand). Cytogenetic location: 22q11.21.
Variant type: single nucleotide variant.
Coding change: c.767G>T on transcript NM_016335.6 (MANE Select); coding-DNA position 767, G replaced by T.
Protein change: p.Cys256Phe; replaces cysteine 256 with phenylalanine.
Molecular consequence: missense variant.
Genome position (GRCh38, 1-based): chr22:18,922,899, C>A on the plus strand (G>T on the coding strand, the complement: PRODH is on the minus strand). VCF-style: chr22-18922899-C-A. GRCh37 (hg19) VCF-style: chr22-18910412-C-A.
Other names: c.443G>T, p.Cys148Phe (NM_001195226.2, NM_001368250.2); short protein forms C256F, C148F.
Identifiers: ClinVar variation 2190977 (VCV002190977.4), dbSNP rs150907380, ClinGen allele CA10095247.

ClinVar aggregate classification (germline): Uncertain significance. Review status: criteria provided, multiple submitters, no conflicts (2 of 4 stars). 3 submissions from 3 submitters: Uncertain significance (3). Last evaluated 2024-10-25.

Conditions:
Proline dehydrogenase deficiency (HYRPRO1). Also called: Hyperprolinemia type 1; PROLINE OXIDASE DEFICIENCY. Identifiers: Orphanet 419, MedGen C0268529, MONDO:0009400, OMIM 239500.
Schizophrenia 4 (SCZD4). Also called: SCHIZOPHRENIA SUSCEPTIBILITY LOCUS, CHROMOSOME 22q11-RELATED; SCHIZOPHRENIA, SUSCEPTIBILITY TO, 4. Identifiers: MedGen C1833247, MONDO:0010943, OMIM 600850.

Allele frequency attached by ClinVar (database versions not stated): ExAC 0.00019; 1000 Genomes Project 0.00020; ESP Exome Variant Server 0.00038.

Submissions (3):

Blueprint Genetics
Classification: Uncertain significance. Last evaluated: 2024-10-25. Review status: criteria provided, single submitter. Criteria: ACMG Guidelines, 2015. Collection method: clinical testing. Allele origin: germline.

Fulgent Genetics
Classification: Uncertain significance for Proline dehydrogenase deficiency; Schizophrenia 4. Last evaluated: 2024-05-20. Review status: criteria provided, single submitter. Criteria: ACMG Guidelines, 2015. Collection method: clinical testing. Allele origin: germline.

Labcorp Genetics (formerly Invitae), Labcorp
Classification: Uncertain significance for Proline dehydrogenase deficiency. Last evaluated: 2023-10-26. Review status: criteria provided, single submitter. Criteria: Invitae Variant Classification Sherloc (09022015). Collection method: clinical testing. Allele origin: germline.
Comment: This sequence change replaces cysteine, which is neutral and slightly polar, with phenylalanine, which is neutral and non-polar, at codon 256 of the PRODH protein (p.Cys256Phe). This variant is present in population databases (rs150907380, gnomAD 0.04%). This variant has not been reported in the literature in individuals affected with PRODH-related conditions. ClinVar contains an entry for this variant (Variation ID: 2190977). Advanced modeling of protein sequence and biophysical properties (such as structural, functional, and spatial information, amino acid conservation, physicochemical variation, residue mobility, and thermodynamic stability) performed at Invitae indicates that this missense variant is not expected to disrupt PRODH protein function with a negative predictive value of 80%. In summary, the available evidence is currently insufficient to determine the role of this variant in disease. Therefore, it has been classified as a Variant of Uncertain Significance.